The following is an entry in ClinVar:

NM_000487.6(ARSA):c.601G>T (p.Ala201Ser)

Gene: ARSA (arylsulfatase A; minus strand). Cytogenetic location: 22q13.33.
Variant type: single nucleotide variant.
Coding change: c.601G>T on transcript NM_000487.6 (MANE Select); coding-DNA position 601, G replaced by T.
Protein change: p.Ala201Ser; replaces alanine 201 with serine.
Molecular consequence: missense variant.
Genome position (GRCh38, 1-based): chr22:50,626,917, C>A on the plus strand (G>T on the coding strand, the complement: ARSA is on the minus strand). VCF-style: chr22-50626917-C-A. GRCh37 (hg19) VCF-style: chr22-51065345-C-A.
Other names: c.601G>T, p.Ala201Ser (NM_001085425.3, NM_001085426.3, NM_001085427.3); c.343G>T, p.Ala115Ser (NM_001085428.3, NM_001362782.2); short protein forms A201S, A115S.
Identifiers: ClinVar variation 1393416 (VCV001393416.7), dbSNP rs377625311, ClinGen allele CA10324970.
Genomic context (GRCh38, chr22:50,626,917, plus strand): 5'-AGGGGCGATCCTGGCGCTGGGCGTCGGCCATGAGGTCATGGGCGAAAGCCATGTAGCGGG[C>A]CTCTAGTCCGGGCAGCCAGGGGGGCTGCGCCTCCACGGACAGGTTGGCCAACAGTGGGAT-3'
Protein context (NP_000478.3, residues 191-211): AQPPWLPGLE[Ala201Ser]RYMAFAHDLM

ClinVar aggregate classification (germline): Uncertain significance (1 of 4 stars; one submission).

Conditions:
Metachromatic leukodystrophy (MLD). Also called: Arylsulfatase A Deficiency; SULFATIDE LIPIDOSIS; ARSA DEFICIENCY; CEREBROSIDE SULFATASE DEFICIENCY; METACHROMATIC LEUKOENCEPHALOPATHY; Cerebral sclerosis diffuse metachromatic form. Identifiers: Orphanet 512, MedGen C0023522, MONDO:0018868, OMIM 250100.

Allele frequency attached by ClinVar (database versions not stated): gnomAD 0.00004; gnomAD exomes 0.00009 and 0.00023; ESP Exome Variant Server 0.00015; ExAC 0.00038.

Submission:

Labcorp Genetics (formerly Invitae), Labcorp
Classification: Uncertain significance for Metachromatic leukodystrophy. Last evaluated: 2022-06-28. Review status: criteria provided, single submitter. Criteria: Invitae Variant Classification Sherloc (09022015). Collection method: clinical testing. Allele origin: germline.
Comment: This sequence change replaces alanine, which is neutral and non-polar, with serine, which is neutral and polar, at codon 201 of the ARSA protein (p.Ala201Ser). This variant is present in population databases (rs377625311, gnomAD 0.04%). This variant has not been reported in the literature in individuals affected with ARSA-related conditions. Algorithms developed to predict the effect of missense changes on protein structure and function (SIFT, PolyPhen-2, Align-GVGD) all suggest that this variant is likely to be tolerated. In summary, the available evidence is currently insufficient to determine the role of this variant in disease. Therefore, it has been classified as a Variant of Uncertain Significance.